The following is an entry in ClinVar:

ClinVar aggregate classification (germline): Benign/Likely benign. Review status: criteria provided, multiple submitters, no conflicts (2 of 4 stars). 4 submissions from 4 submitters: Benign (1); Likely benign (3). Last evaluated 2026-07-30.

Conditions:
Hereditary pheochromocytoma and paraganglioma. Also called: Hereditary pheochromocytoma-paraganglioma; Hereditary paragangliomas and pheochromocytomas; Hereditary Paraganglioma-Pheochromocytoma Syndromes. Identifiers: Orphanet 29072, MedGen C4274332, MONDO:0017366.
Hereditary cancer-predisposing syndrome. Also called: Hereditary neoplastic syndrome; Neoplastic Syndromes, Hereditary; Tumor predisposition; Hereditary Cancer Syndrome. Identifiers: Orphanet 140162, MedGen C0027672, MeSH D009386, MONDO:0015356.

Allele frequency attached by ClinVar (database versions not stated): gnomAD exomes below 0.00001; ExAC 0.00001.
gnomAD v4.1: 2 of 1,614,080 alleles (0.00012%); highest among the groups gnomAD compares: Non-Finnish European, 0.00017%; no homozygotes.

Submissions (4):

Myriad Genetics, Inc.
Classification: Benign for Hereditary pheochromocytoma and paraganglioma. Last evaluated: 2026-07-30. Review status: criteria provided, single submitter. Criteria: Myriad Autosomal Dominant, Autosomal Recessive and X-Linked Classification Criteria (2023). Collection method: clinical testing. Allele origin: unknown.
Comment: This variant is considered benign. This variant is a silent/synonymous amino acid change and it is not expected to impact splicing.

Quest Diagnostics Nichols Institute San Juan Capistrano
Classification: Likely benign. Last evaluated: 2025-11-05. Review status: criteria provided, single submitter. Criteria: Quest Diagnostics criteria. Collection method: clinical testing. Allele origin: unknown.

Labcorp Genetics (formerly Invitae), Labcorp
Classification: Likely benign for Hereditary pheochromocytoma and paraganglioma. Last evaluated: 2025-06-06. Review status: criteria provided, single submitter. Criteria: Invitae Variant Classification Sherloc (09022015). Collection method: clinical testing. Allele origin: germline.

Ambry Genetics
Classification: Likely benign for Hereditary cancer-predisposing syndrome. Last evaluated: 2019-02-01. Review status: criteria provided, single submitter. Criteria: Ambry Variant Classification Scheme 2023. Collection method: clinical testing. Allele origin: germline.

NM_017849.4(TMEM127):c.378T>C (p.Thr126=)

Gene: TMEM127 (transmembrane protein 127; minus strand). Cytogenetic location: 2q11.2.
Variant type: single nucleotide variant.
Coding change: c.378T>C on transcript NM_017849.4 (MANE Select); coding-DNA position 378, T replaced by C.
Protein change: p.Thr126=; no amino-acid change (threonine 126 retained).
Molecular consequence: synonymous variant.
Genome position (GRCh38, 1-based): chr2:96,254,864, A>G on the plus strand (T>C on the coding strand, the complement: TMEM127 is on the minus strand). VCF-style: chr2-96254864-A-G. GRCh37 (hg19) VCF-style: chr2-96920602-A-G.
Other names: c.378T>C, p.Thr126= (NM_001193304.3).
Identifiers: ClinVar variation 824212 (VCV000824212.8), dbSNP rs770922577, ClinGen allele CA1777343.
Genomic context (GRCh38, chr2:96,254,864, plus strand): 5'-CTCCCACTGTGAGCAGGCTCACGGCTTACCCGTTAGGATATGGGCGAAGGCATAGCGACG[A>G]GTGATCTTCAGAGCAGGATGCTTCGGCCCAAAGACATCCAGAAGGAAAGCGGAGAGACTA-3'
Protein context (NP_060319.1, residues 116-136): FGPKHPALKI[Thr126=]RRYAFAHILT